The following is an entry in ClinVar:

NM_004655.4(AXIN2):c.246dup (p.His83fs)

Gene: AXIN2 (axin 2; minus strand). Cytogenetic location: 17q24.1.
Variant type: Duplication.
Coding change: c.246dup on transcript NM_004655.4 (MANE Select); coding-DNA position 246, one base duplicated (A; older notation c.246dupA).
Protein change: p.His83fs; shifts the reading frame from histidine 83.
Molecular consequence: frameshift variant.
Genome position (GRCh38, 1-based): chr17:65,558,375, T duplicated on the plus strand (A on the coding strand, the reverse complement: AXIN2 is on the minus strand). VCF-style (leftmost placement, unchanged base first): chr17-65558374-G-GT. GRCh37 (hg19) VCF-style: chr17-63554492-G-GT.
Other names: c.246dup, p.His83fs (NM_001363813.1); short protein forms H83fs.
Identifiers: ClinVar variation 3904711 (VCV003904711.2).

ClinVar aggregate classification (germline): Pathogenic. Review status: criteria provided, multiple submitters, no conflicts (2 of 4 stars). 2 submissions from 2 submitters: Pathogenic (2). Last evaluated 2026-07-17.

Conditions:
Oligodontia-cancer predisposition syndrome. Also called: TOOTH AGENESIS-COLORECTAL CANCER SYNDROME. Identifiers: Orphanet 300576, MedGen C1837750, MONDO:0012075, OMIM 608615. Disease mechanism: loss of function.

Submissions (2):

Victorian Clinical Genetics Services, Murdoch Childrens Research Institute
Classification: Pathogenic for Oligodontia-cancer predisposition syndrome. Last evaluated: 2026-07-17. Review status: criteria provided, single submitter. Criteria: ACMG Guidelines, 2015. Collection method: clinical testing. Allele origin: germline. Affected: yes.
Comment: This variant is classified as Pathogenic. Evidence in support of pathogenic classification: This variant is predicted to cause nonsense-mediated decay (NMD) and loss of protein (premature termination codon is located at least 54 nucleotides upstream of the final exon-exon junction); This variant is present in gnomAD <0.001 for a dominant condition (v4: 1 heterozygote(s), 0 homozygote(s)); This variant has limited previous evidence of pathogenicity in an unrelated individual(s). This variant has been classified as pathogenic by a clinical laboratory in ClinVar; Other variants comparable to the one identified in this case have very strong previous evidence for pathogenicity (DECIPHER). Additional information: This variant is heterozygous; This gene is associated with autosomal dominant disease; No published evidence of segregation with disease has been identified for this variant; No published functional evidence has been identified for this variant; Loss of function is a known mechanism of disease in this gene and is associated with oligodontia-colorectal cancer syndrome (MIM#608615); Variants in this gene are known to have variable expressivity (OMIM).

Myriad Genetics, Inc.
Classification: Pathogenic for Oligodontia-cancer predisposition syndrome. Last evaluated: 2025-01-28. Review status: criteria provided, single submitter. Criteria: Myriad Autosomal Dominant, Autosomal Recessive and X-Linked Classification Criteria (2023). Collection method: clinical testing. Allele origin: unknown.
Comment: This variant is considered pathogenic. This variant creates a frameshift predicted to result in premature protein truncation.